The following is an entry in ClinVar:

ClinVar aggregate classification (germline): Uncertain significance (1 of 4 stars; one submission).

Allele frequency attached by ClinVar (database versions not stated): TOPMed below 0.00001.
gnomAD v4.1: 3 of 1,573,592 alleles (0.00019%); highest among the groups gnomAD compares: Non-Finnish European, 0.00017%; no homozygotes.

Submission:

Labcorp Genetics (formerly Invitae), Labcorp
Classification: Uncertain significance. Last evaluated: 2022-12-30. Review status: criteria provided, single submitter. Criteria: Invitae Variant Classification Sherloc (09022015). Collection method: clinical testing. Allele origin: germline.
Comment: This variant has not been reported in the literature in individuals affected with DVL1-related conditions. In summary, the available evidence is currently insufficient to determine the role of this variant in disease. Therefore, it has been classified as a Variant of Uncertain Significance. Advanced modeling of protein sequence and biophysical properties (such as structural, functional, and spatial information, amino acid conservation, physicochemical variation, residue mobility, and thermodynamic stability) has been performed at Invitae for this missense variant, however the output from this modeling did not meet the statistical confidence thresholds required to predict the impact of this variant on DVL1 protein function. This variant is present in population databases (no rsID available, gnomAD 0.003%). This sequence change replaces methionine, which is neutral and non-polar, with threonine, which is neutral and polar, at codon 659 of the DVL1 protein (p.Met659Thr).

NM_001330311.2(DVL1):c.2051T>C (p.Met684Thr)

Gene: DVL1 (dishevelled segment polarity protein 1; minus strand). Cytogenetic location: 1p36.33.
Variant type: single nucleotide variant.
Coding change: c.2051T>C on transcript NM_001330311.2 (MANE Select); coding-DNA position 2051, T replaced by C.
Protein change: p.Met684Thr; replaces methionine 684 with threonine.
Molecular consequence: missense variant.
Genome position (GRCh38, 1-based): chr1:1,336,179, A>G on the plus strand (T>C on the coding strand, the complement: DVL1 is on the minus strand). VCF-style: chr1-1336179-A-G. GRCh37 (hg19) VCF-style: chr1-1271559-A-G.
Other names: c.1976T>C, p.Met659Thr (NM_004421.3); short protein forms M659T, M684T.
Identifiers: ClinVar variation 2808509 (VCV002808509.3), dbSNP rs1416683906, ClinGen allele CA337853686.